The following is an entry in ClinVar:

ClinVar aggregate classification (germline): Likely pathogenic (1 of 4 stars; one submission).

Conditions:
Intellectual developmental disorder, autosomal dominant 42. Also called: GNB1 Encephalopathy; Intellectual disability, autosomal dominant 42; Global developmental delay-neuro-ophthalmological abnormalities-seizures-intellectual disability syndrome. Identifiers: Orphanet 488613, MedGen C4310774, MONDO:0014855, OMIM 616973.

Submission:

HUSP Clinical Genetics Laboratory, Hospital Universitario San Pedro De Logroño (HUSP)
Classification: Likely pathogenic for Intellectual developmental disorder, autosomal dominant 42. Review status: criteria provided, single submitter. Criteria: ACMG Guidelines, 2015. Collection method: clinical testing. Allele origin: de novo. Inheritance: Autosomal dominant inheritance. Affected: yes. Observed: 1 variant allele.
Comment: It results in an amino acid substitution (p.Trp99Leu). This variant is not detected in general population and has not been reported in pathogenic data bases. In silico tools predict that this variant affects the function of the protein and is located in a hot-spot region where pathogenic variant are located so it is labeled as pathogenic. Pathogenic variants in GNB1 have been associated with Intellectual developmental disorder autosomal dominant 42 (OMIM: 139380). This clinical entity is characterized by global developmental delay and impaired intellectual development (of variable degree). Some patients can present clinical manifestations like hypotonia, seizures, ophthalmological disorders (strabismus, nystagmus, ophthalmoplegia) or disorder attention deficit and hyperactivity. The inheritance pattern is autosomal dominant.

NM_002074.5(GNB1):c.296G>T (p.Trp99Leu)

Gene: GNB1 (G protein subunit beta 1; minus strand). Cytogenetic location: 1p36.33.
Variant type: single nucleotide variant.
Coding change: c.296G>T on transcript NM_002074.5 (MANE Select); coding-DNA position 296, G replaced by T.
Protein change: p.Trp99Leu; replaces tryptophan 99 with leucine.
Molecular consequence: missense variant. On other transcripts: 5 prime UTR variant (1).
Genome position (GRCh38, 1-based): chr1:1,804,553, C>A on the plus strand (G>T on the coding strand, the complement: GNB1 is on the minus strand). VCF-style: chr1-1804553-C-A. GRCh37 (hg19) VCF-style: chr1-1735992-C-A.
Other names: c.-5G>T (NM_001282538.2); c.296G>T, p.Trp99Leu (NM_001282539.2); short protein forms W99L.
Identifiers: ClinVar variation 3237184 (VCV003237184.1), dbSNP rs2522750344.